The following is an entry in ClinVar:

NM_020975.6(RET):c.1657_1671del (p.Arg553_Thr557del)

Gene: RET (ret proto-oncogene; plus strand). Cytogenetic location: 10q11.21.
Variant type: Deletion.
Coding change: c.1657_1671del on transcript NM_020975.6 (MANE Select); coding-DNA positions 1657 to 1671, 15 bases deleted (AGGAACTTCTCCACC).
Protein change: p.Arg553_Thr557del.
Molecular consequence: inframe deletion. On other transcripts: inframe indel (1).
Genome position (GRCh38, 1-based): chr10:43,112,861-43,112,875, AGGAACTTCTCCACC deleted; deleting any 15 consecutive bases within chr10:43,112,857-43,112,875 gives the same sequence; the c. name uses the placement nearest the transcript's 3' end. VCF-style (leftmost placement, unchanged base first): chr10-43112856-TCACCAGGAACTTCTC-T. GRCh37 (hg19) VCF-style: chr10-43608304-TCACCAGGAACTTCTC-T.
Other names: c.895_909del, p.Arg299_Thr303del (NM_001355216.2); c.1657_1671del, p.Arg553_Thr557del (NM_001406743.1, NM_001406744.1, NM_001406759.1 and 4 more transcripts); c.1528_1542del, p.Arg510_Thr514del (NM_001406761.1, NM_001406762.1, NM_001406764.1 and 1 more transcripts); c.1369_1383del, p.Arg457_Thr461del (NM_001406766.1, NM_001406767.1, NM_001406770.1); c.1261_1275del, p.Arg421_Thr425del (NM_001406769.1, NM_001406772.1); c.1219_1233del, p.Arg407_Thr411del (NM_001406771.1, NM_001406773.1); c.1132_1146del, p.Arg378_Thr382del (NM_001406774.1); c.931_945del, p.Arg311_Thr315del (NM_001406775.1, NM_001406776.1, NM_001406777.1 and 1 more transcripts); and 6 more.
Identifiers: ClinVar variation 3346775 (VCV003346775.1).

ClinVar aggregate classification (germline): Uncertain significance (0 of 4 stars; one submission).

Conditions:
RET-related disorder. Also called: RET-related disorders; RET-related condition; RET-related disease.

Submission:

PreventionGenetics, part of Exact Sciences
Classification: Uncertain significance for RET-related condition. Last evaluated: 2024-09-26. Review status: no assertion criteria provided. Collection method: clinical testing. Allele origin: germline.
Comment: The RET c.1657_1671del15 variant is predicted to result in an in-frame deletion (p.Arg553_Thr557del). To our knowledge, this variant has not been reported in the literature or in a large population database, indicating this variant is rare. At this time, the clinical significance of this variant is uncertain due to the absence of conclusive functional and genetic evidence.